The following is an entry in ClinVar:

NM_144997.7(FLCN):c.205G>A (p.Val69Ile)

Gene: FLCN (folliculin; minus strand). Cytogenetic location: 17p11.2.
Variant type: single nucleotide variant.
Coding change: c.205G>A on transcript NM_144997.7 (MANE Select); coding-DNA position 205, G replaced by A.
Protein change: p.Val69Ile; replaces valine 69 with isoleucine.
Molecular consequence: missense variant.
Genome position (GRCh38, 1-based): chr17:17,227,933, C>T on the plus strand (G>A on the coding strand, the complement: FLCN is on the minus strand). VCF-style: chr17-17227933-C-T. GRCh37 (hg19) VCF-style: chr17-17131247-C-T.
Other names: c.205G>A (NM_144997.6, LRG_325t1); c.205G>A, p.Val69Ile (NM_001353229.2, NM_001353230.2, NM_001353231.2 and 1 more transcripts); short protein forms V69I.
Identifiers: ClinVar variation 415612 (VCV000415612.22), dbSNP rs567617762, ClinGen allele CA8416497.

ClinVar aggregate classification (germline): Conflicting classifications of pathogenicity. Review status: criteria provided, conflicting classifications (1 of 4 stars). 9 submissions from 9 submitters: Uncertain significance (2); Benign (2); Likely benign (4). 1 of the submissions does not count toward it. Last evaluated 2026-01-27.

Conditions:
FLCN-related disorder. Also called: FLCN-related condition.
Hereditary cancer-predisposing syndrome. Also called: Neoplastic Syndromes, Hereditary; Tumor predisposition; Hereditary Cancer Syndrome; Hereditary neoplastic syndrome. Identifiers: Orphanet 140162, MedGen C0027672, MeSH D009386, MONDO:0015356.
Familial spontaneous pneumothorax (PSP). Identifiers: Orphanet 2903, MedGen C1868193, MONDO:0008259, OMIM 173600.
Birt-Hogg-Dube syndrome 1 (BHD1). Also called: FIBROFOLLICULOMAS WITH TRICHODISCOMAS AND ACROCHORDONS. Identifiers: Orphanet 122, MedGen CN375946, MONDO:0800445, OMIM 135150.
Birt-Hogg-Dube syndrome. Also called: Birt Hogg Dubé syndrome. Identifiers: Orphanet 122, MedGen C0346010, MONDO:0800444.

Allele frequency attached by ClinVar (database versions not stated): gnomAD below 0.00001 and 0.00008; TOPMed 0.00002; gnomAD exomes 0.00020 and 0.00037; 1000 Genomes Project 30x 0.00031; 1000 Genomes Project 0.00040; ExAC 0.00041.
gnomAD v4.1: 297 of 1,614,132 alleles (0.018%); highest among the groups gnomAD compares: South Asian, 0.3%; 4 homozygotes.

Submissions (9):

Labcorp Genetics (formerly Invitae), Labcorp
Classification: Likely benign for Birt-Hogg-Dube syndrome. Last evaluated: 2026-01-27. Review status: criteria provided, single submitter. Criteria: Invitae Variant Classification Sherloc (09022015). Collection method: clinical testing. Allele origin: germline.

Center for Genomic Medicine, Rigshospitalet, Copenhagen University Hospital
Classification: Uncertain significance. Last evaluated: 2025-12-29. Review status: criteria provided, single submitter. Criteria: ACMG Guidelines, 2015. Collection method: clinical testing. Allele origin: germline.

Quest Diagnostics Nichols Institute San Juan Capistrano
Classification: Benign. Last evaluated: 2025-07-02. Review status: criteria provided, single submitter. Criteria: Quest Diagnostics criteria. Collection method: clinical testing. Allele origin: unknown.

Myriad Genetics, Inc.
Classification: Benign for Birt-Hogg-Dube syndrome 1. Last evaluated: 2024-09-04. Review status: criteria provided, single submitter. Criteria: Myriad Autosomal Dominant, Autosomal Recessive and X-Linked Classification Criteria (2023). Collection method: clinical testing. Allele origin: unknown.
Comment: This variant is considered benign. Homozygosity has been confirmed in one or more individuals. As homozygosity for pathogenic variants in this gene is generally assumed to result in embryonic lethality, this variant is unlikely to be pathogenic. This variant has been observed at a population frequency that is significantly greater than expected given the associated disease prevalence and penetrance.

Blueprint Genetics
Classification: Likely benign. Last evaluated: 2023-10-04. Review status: criteria provided, single submitter. Criteria: ACMG Guidelines, 2015. Collection method: clinical testing. Allele origin: germline.

Ambry Genetics
Classification: Likely benign for Hereditary cancer-predisposing syndrome. Last evaluated: 2020-03-04. Review status: criteria provided, single submitter. Criteria: Ambry Variant Classification Scheme 2023. Collection method: clinical testing. Allele origin: germline.

Baylor Genetics
Classification: Uncertain significance for Familial spontaneous pneumothorax. Last evaluated: 2018-04-26. Review status: criteria provided, single submitter. Criteria: ACMG Guidelines, 2015. Collection method: clinical testing. Allele origin: paternal. Affected: yes.
Comment: This variant was determined to be of uncertain significance according to ACMG Guidelines, 2015 [PMID:25741868].

GeneDx
Classification: Likely benign. Last evaluated: 2017-12-14. Review status: criteria provided, single submitter. Criteria: GeneDx Variant Classification (06012015). Collection method: clinical testing. Allele origin: germline. Affected: yes.
Comment: This variant is considered likely benign or benign based on one or more of the following criteria: it is a conservative change, it occurs at a poorly conserved position in the protein, it is predicted to be benign by multiple in silico algorithms, and/or has population frequency not consistent with disease.

PreventionGenetics, part of Exact Sciences
Classification: Likely benign for FLCN-related condition. Last evaluated: 2024-03-12. Review status: no assertion criteria provided. Collection method: clinical testing. Allele origin: germline. Not counted in ClinVar's aggregate classification.
Comment: This variant is classified as likely benign based on ACMG/AMP sequence variant interpretation guidelines (Richards et al. 2015 PMID: 25741868, with internal and published modifications).

Literature cited by the submitters: PubMed 28524162 (cited by Quest Diagnostics Nichols Institute San Juan Capistrano); PubMed 28944238 (cited by Quest Diagnostics Nichols Institute San Juan Capistrano); PubMed 31269945 (cited by Quest Diagnostics Nichols Institute San Juan Capistrano); PubMed 37084389 (cited by Quest Diagnostics Nichols Institute San Juan Capistrano).